The following is an entry in ClinVar:

ClinVar aggregate classification (germline): Uncertain significance. Review status: criteria provided, multiple submitters, no conflicts (2 of 4 stars). 2 submissions from 2 submitters: Uncertain significance (2). Last evaluated 2025-11-17.

Conditions:
Hereditary cancer-predisposing syndrome. Also called: Tumor predisposition; Neoplastic Syndromes, Hereditary; Hereditary Cancer Syndrome; Hereditary neoplastic syndrome. Identifiers: Orphanet 140162, MedGen C0027672, MeSH D009386, MONDO:0015356.
Ataxia-telangiectasia syndrome (AT). Also called: ATAXIA-TELANGIECTASIA, COMPLEMENTATION GROUP A; ATAXIA-TELANGIECTASIA, FRESNO VARIANT; Ataxia-telangiectasia; Ataxia-telangiectasia, complementation group D; AT, COMPLEMENTATION GROUP C; Ataxia-telangiectasia, complementation group E. Identifiers: Orphanet 100, MedGen C0004135, MONDO:0008840, OMIM 208900.

Submissions (2):

Labcorp Genetics (formerly Invitae), Labcorp
Classification: Uncertain significance for Ataxia-telangiectasia syndrome. Last evaluated: 2025-11-17. Review status: criteria provided, single submitter. Criteria: Invitae Variant Classification Sherloc (09022015). Collection method: clinical testing. Allele origin: germline.
Comment: This sequence change replaces leucine, which is neutral and non-polar, with isoleucine, which is neutral and non-polar, at codon 2630 of the ATM protein (p.Leu2630Ile). This variant is not present in population databases (gnomAD no frequency). This variant has not been reported in the literature in individuals affected with ATM-related conditions. ClinVar contains an entry for this variant (Variation ID: 827311). Invitae Evidence Modeling of protein sequence and biophysical properties (such as structural, functional, and spatial information, amino acid conservation, physicochemical variation, residue mobility, and thermodynamic stability) indicates that this missense variant is not expected to disrupt ATM protein function with a negative predictive value of 95%. In summary, the available evidence is currently insufficient to determine the role of this variant in disease. Therefore, it has been classified as a Variant of Uncertain Significance.

Ambry Genetics
Classification: Uncertain significance for Hereditary cancer-predisposing syndrome. Last evaluated: 2023-12-11. Review status: criteria provided, single submitter. Criteria: Ambry Variant Classification Scheme 2023. Collection method: clinical testing. Allele origin: germline.
Comment: The p.L2630I variant (also known as c.7888T>A), located in coding exon 52 of the ATM gene, results from a T to A substitution at nucleotide position 7888. The leucine at codon 2630 is replaced by isoleucine, an amino acid with highly similar properties. This amino acid position is highly conserved in available vertebrate species. In addition, the in silico prediction for this alteration is inconclusive. Since supporting evidence is limited at this time, the clinical significance of this alteration remains unclear.

NM_000051.4(ATM):c.7888T>A (p.Leu2630Ile)

Genes: ATM (ATM serine/threonine kinase; plus strand), C11orf65 (chromosome 11 open reading frame 65; minus strand). Cytogenetic location: 11q22.3.
Variant type: single nucleotide variant.
Coding change: c.7888T>A on transcript NM_000051.4 (MANE Select); coding-DNA position 7888, T replaced by A.
Protein change: p.Leu2630Ile; replaces leucine 2630 with isoleucine.
Molecular consequence: missense variant. On other transcripts: intron variant (2).
Genome position (GRCh38, 1-based): chr11:108,332,861, T>A. VCF-style: chr11-108332861-T-A. GRCh37 (hg19) VCF-style: chr11-108203588-T-A.
Other names: c.7888T>A, p.Leu2630Ile (NM_001351834.2); c.641-23790A>T (NM_001330368.2); c.*38+2359A>T (NM_001351110.2); short protein forms L2630I.
Identifiers: ClinVar variation 827311 (VCV000827311.12), dbSNP rs1555125427, ClinGen allele CA382561447.